The following is an entry in ClinVar:

NM_058004.4(PI4KA):c.617C>G (p.Ser206Ter)

Gene: PI4KA (phosphatidylinositol 4-kinase alpha; minus strand). Cytogenetic location: 22q11.21.
Variant type: single nucleotide variant.
Coding change: c.617C>G on transcript NM_058004.4 (MANE Select); coding-DNA position 617, C replaced by G.
Protein change: p.Ser206Ter; replaces serine 206 with a stop codon.
Molecular consequence: nonsense.
Genome position (GRCh38, 1-based): chr22:20,819,813, G>C on the plus strand (C>G on the coding strand, the complement: PI4KA is on the minus strand). VCF-style: chr22-20819813-G-C. GRCh37 (hg19) VCF-style: chr22-21174101-G-C.
Other names: c.617C>G, p.Ser206Ter (NM_001362862.2, NM_001362863.2); short protein forms S206*.
Identifiers: ClinVar variation 4996481 (VCV004996481.1).

ClinVar aggregate classification (germline): Likely pathogenic (1 of 4 stars; one submission).

Conditions:
PI4KA-related disorder. Also called: PI4KA-related disorders; PI4KA-related condition. Identifiers: MedGen CN378147, MONDO:1040012.

Submission:

PreventionGenetics, part of Exact Sciences
Classification: Likely pathogenic for PI4KA-related condition. Last evaluated: 2026-09-15. Review status: criteria provided, single submitter. Criteria: ACMG Guidelines, 2015. Collection method: clinical testing. Allele origin: germline.
Comment: The PI4KA c.617C>G variant is predicted to result in premature protein termination (p.Ser206*). To our knowledge, this variant has not been reported in the literature or in a large population database (gnomAD), indicating this variant is rare. Nonsense variants in PI4KA are expected to be pathogenic. This variant is interpreted as likely pathogenic.